The following is an entry in ClinVar:

ClinVar aggregate classification (germline): Uncertain significance (1 of 4 stars; one submission).

Conditions:
Familial intrahepatic cholestasis. Identifiers: Orphanet 284385, MedGen CN296401, MONDO:0017290.

gnomAD v4.1: 1 of 1,560,842 alleles (0.000064%); highest among the groups gnomAD compares: Non-Finnish European, 0.000087%; no homozygotes.

Submission:

Genomenon, Inc
Classification: Uncertain significance for Familial intrahepatic cholestasis. Last evaluated: 2026-04-14. Review status: criteria provided, single submitter. Criteria: Genomenon Sequence Variant Interpretation Standards - Updated. Collection method: curation. Allele origin: germline. Affected: yes.
Comment: ABCB11 p.Leu153Pro (c.458T>C) is a missense variant that changes the amino acid at residue 153 from Leucine to Proline. This variant has been observed in at least one proband with an ABCB11-related disorder (PMID:39960943). It is absent or not present at a significant frequency in gnomAD. In silico models predict that this variant is possibly or probably damaging. In conclusion, we classify ABCB11 p.Leu153Pro (c.458T>C) as a variant of uncertain significance.

Literature cited by the submitters: PubMed 39960943.

NM_003742.4(ABCB11):c.458T>C (p.Leu153Pro)

Gene: ABCB11 (ATP binding cassette subfamily B member 11; minus strand). Cytogenetic location: 2q31.1.
Variant type: single nucleotide variant.
Coding change: c.458T>C on transcript NM_003742.4 (MANE Select); coding-DNA position 458, T replaced by C.
Protein change: p.Leu153Pro; replaces leucine 153 with proline.
Molecular consequence: missense variant.
Genome position (GRCh38, 1-based): chr2:168,996,654, A>G on the plus strand (T>C on the coding strand, the complement: ABCB11 is on the minus strand). VCF-style: chr2-168996654-A-G. GRCh37 (hg19) VCF-style: chr2-169853164-A-G.
Other names: short protein forms L153P.
Identifiers: ClinVar variation 4846081 (VCV004846081.1).
Genomic context (GRCh38, chr2:168,996,654, plus strand): 5'-GTCAGATATTGATCTATAAATTATACGGAGGAGCTACTAACTTGAATATATCCTGTGATA[A>G]GTACTGCGACAGCAATTCCAGCATAGTAACTGGCAAATTTGATCATTTCGCTCTCGATGT-3'
Protein context (NP_003733.2, residues 143-163): SYYAGIAVAV[Leu153Pro]ITGYIQICFW